The following is an entry in ClinVar:

NC_000016.10:g.5072045C>T

Genes: ALG1 (ALG1 chitobiosyldiphosphodolichol beta-mannosyltransferase; plus strand), LOC130058384 (ATAC-STARR-seq lymphoblastoid active region 10349; plus strand). Cytogenetic location: 16p13.3.
Variant type: single nucleotide variant.
Genome position: GRCh38 VCF-style: chr16-5072045-C-T. GRCh37 (hg19) VCF-style: chr16-5122046-C-T.
Identifiers: ClinVar variation 511471 (VCV000511471.4), dbSNP rs753405851, ClinGen allele CA7889692.

ClinVar aggregate classification (germline): Likely benign. Review status: criteria provided, multiple submitters, no conflicts (2 of 4 stars). 2 submissions from 2 submitters: Likely benign (2). Last evaluated 2025-12-03.

Conditions:
ALG1-congenital disorder of glycosylation. Also called: ALG1-CDG; CONGENITAL DISORDER OF GLYCOSYLATION, TYPE Ik; CDG Ik. Identifiers: Orphanet 79327, MedGen C2931005, MONDO:0012052, OMIM 608540.

Allele frequency attached by ClinVar (database versions not stated): ExAC 0.00002; gnomAD 0.00002.
gnomAD v4.1: 8 of 1,582,052 alleles (0.00051%); highest among the groups gnomAD compares: Non-Finnish European, 0.0006%; no homozygotes.

Submissions (2):

Labcorp Genetics (formerly Invitae), Labcorp
Classification: Likely benign for ALG1-congenital disorder of glycosylation. Last evaluated: 2025-12-03. Review status: criteria provided, single submitter. Criteria: Invitae Variant Classification Sherloc (09022015). Collection method: clinical testing. Allele origin: germline.

GeneDx
Classification: Likely benign. Last evaluated: 2017-09-06. Review status: criteria provided, single submitter. Criteria: GeneDx Variant Classification (06012015). Collection method: clinical testing. Allele origin: germline. Affected: yes.
Comment: This variant is considered likely benign or benign based on one or more of the following criteria: it is a conservative change, it occurs at a poorly conserved position in the protein, it is predicted to be benign by multiple in silico algorithms, and/or has population frequency not consistent with disease.